The following is an entry in ClinVar:

NM_003601.4(SMARCA5):c.2932_2933insTCAGTTCAGATTT (p.Arg978fs)

Gene: SMARCA5 (SNF2 related chromatin remodeling ATPase 5; plus strand). Cytogenetic location: 4q31.21.
Variant type: Insertion.
Coding change: c.2932_2933insTCAGTTCAGATTT on transcript NM_003601.4 (MANE Select); coding-DNA positions 2932 to 2933, TCAGTTCAGATTT inserted.
Protein change: p.Arg978fs; shifts the reading frame from arginine 978.
Molecular consequence: frameshift variant.
Genome position: GRCh38 VCF-style: chr4-143548087-C-CTCAGTTCAGATTT. GRCh37 (hg19) VCF-style: chr4-144469240-C-CTCAGTTCAGATTT.
Other names: short protein forms R978fs.
Identifiers: ClinVar variation 4071891 (VCV004071891.1).

ClinVar aggregate classification (germline): Uncertain significance (1 of 4 stars; one submission).

Submission:

GeneDx
Classification: Uncertain significance. Last evaluated: 2025-01-28. Review status: criteria provided, single submitter. Criteria: GeneDx Variant Classification Process June 2021. Collection method: clinical testing. Allele origin: germline. Affected: yes.
Comment: Not observed at significant frequency in large population cohorts (gnomAD); Frameshift variant predicted to result in protein truncation or nonsense mediated decay in a gene or region of a gene for which loss of function is not a well-established mechanism of disease; Has not been previously published as pathogenic or benign to our knowledge